The following is an entry in ClinVar:

NM_015202.5(KATNIP):c.106G>T (p.Asp36Tyr)

Gene: KATNIP (katanin interacting protein; plus strand). Cytogenetic location: 16p12.1.
Variant type: single nucleotide variant.
Coding change: c.106G>T on transcript NM_015202.5 (MANE Select); coding-DNA position 106, G replaced by T.
Protein change: p.Asp36Tyr; replaces aspartic acid 36 with tyrosine.
Molecular consequence: missense variant.
Genome position (GRCh38, 1-based): chr16:27,618,467, G>T. VCF-style: chr16-27618467-G-T. GRCh37 (hg19) VCF-style: chr16-27629788-G-T.
Other names: short protein forms D36Y.
Identifiers: ClinVar variation 1906679 (VCV001906679.5), dbSNP rs553164422, ClinGen allele CA395312867.
Genomic context (GRCh38, chr16:27,618,467, plus strand): 5'-TCTGTTTCTTCATTTCAGGGTTACGCTAAGGACATGGTGACAGACTTTGATGAGAAACAT[G>T]ATGAGTATTTAATATTGCTTCAGCAGAGGAACCGGTAAGAGAAGCCACTCGACGGCAGCC-3'
Protein context (NP_056017.4, residues 26-46): DMVTDFDEKH[Asp36Tyr]EYLILLQQRN

ClinVar aggregate classification (germline): Uncertain significance (1 of 4 stars; one submission).

Submission:

Labcorp Genetics (formerly Invitae), Labcorp
Classification: Uncertain significance. Last evaluated: 2022-06-27. Review status: criteria provided, single submitter. Criteria: Invitae Variant Classification Sherloc (09022015). Collection method: clinical testing. Allele origin: germline.
Comment: In summary, the available evidence is currently insufficient to determine the role of this variant in disease. Therefore, it has been classified as a Variant of Uncertain Significance. This sequence change replaces aspartic acid, which is acidic and polar, with tyrosine, which is neutral and polar, at codon 36 of the KIAA0556 protein (p.Asp36Tyr). This variant is not present in population databases (gnomAD no frequency). This variant has not been reported in the literature in individuals affected with KIAA0556-related conditions. Algorithms developed to predict the effect of missense changes on protein structure and function are either unavailable or do not agree on the potential impact of this missense change (SIFT: "Deleterious"; PolyPhen-2: "Probably Damaging"; Align-GVGD: "Class C0").